The following is an entry in ClinVar:

ClinVar aggregate classification (germline): Uncertain significance (1 of 4 stars; one submission).

Conditions:
Cardiovascular phenotype. Identifiers: MedGen CN230736.

gnomAD v4.1: 1 of 1,614,000 alleles (0.000062%); highest among the groups gnomAD compares: Non-Finnish European, 0.000085%; no homozygotes.

Submission:

Ambry Genetics
Classification: Uncertain significance for Cardiovascular phenotype. Last evaluated: 2024-08-30. Review status: criteria provided, single submitter. Criteria: Ambry Variant Classification Scheme 2023. Collection method: clinical testing. Allele origin: germline.
Comment: The c.689+1G>T intronic variant results from a G to T substitution one nucleotide after coding exon 12 of the TNNT2 gene. This nucleotide position is highly conserved in available vertebrate species. In silico splice site analysis predicts that this alteration will weaken the native splice donor site and may result in the creation or strengthening of a novel splice donor site. Alterations that disrupt the canonical splice site are expected to cause aberrant splicing, resulting in an abnormal protein or a transcript that is subject to nonsense-mediated mRNA decay. However, loss of function of TNNT2 has not been established as a mechanism of disease. Based on the available evidence, the clinical significance of this alteration remains unclear.

NM_001276345.2(TNNT2):c.719+1G>T

Gene: TNNT2 (troponin T2, cardiac type; minus strand). Cytogenetic location: 1q32.1.
Variant type: single nucleotide variant.
Coding change: c.719+1G>T on transcript NM_001276345.2 (MANE Select); the canonical splice donor site of the intron after coding-DNA position 719, G replaced by T.
Molecular consequence: splice donor variant.
Genome position (GRCh38, 1-based): chr1:201,361,912, C>A on the plus strand (G>T on the coding strand, the complement: TNNT2 is on the minus strand). VCF-style: chr1-201361912-C-A. GRCh37 (hg19) VCF-style: chr1-201331040-C-A.
Other names: c.680+1G>T (NM_001406727.1, NM_001001431.3, NM_001406726.1); c.689+1G>T (NM_001406724.1, NM_001001430.3, NM_001276347.2); c.671+1G>T (NM_001001432.3); c.674+1G>T (NM_001406728.1); c.686+1G>T (NM_001406725.1); c.590+1G>T (NM_001276346.2); c.710+1G>T (NM_000364.4, NM_001406723.1).
Identifiers: ClinVar variation 3459426 (VCV003459426.1).